The following is an entry in ClinVar:

ClinVar aggregate classification (germline): Conflicting classifications of pathogenicity. Review status: criteria provided, conflicting classifications (1 of 4 stars). 2 submissions from 2 submitters: Uncertain significance (1); Likely benign (1). Last evaluated 2023-03-23.

Conditions:
Hereditary breast ovarian cancer syndrome. Also called: Hereditary breast and ovarian cancer syndrome (HBOC); Hereditary breast and ovarian cancer syndrome; Breast and ovarian cancer; Hereditary breast and/or ovarian cancer syndrome; Hereditary breast and ovarian cancer; BRCA1- and BRCA2-Associated Hereditary Breast and Ovarian Cancer. Identifiers: Orphanet 145, MedGen C0677776, MeSH D061325, MONDO:0003582. Disease mechanism: loss of function.
Hereditary cancer-predisposing syndrome. Also called: Neoplastic Syndromes, Hereditary; Hereditary Cancer Syndrome; Hereditary neoplastic syndrome; Tumor predisposition. Identifiers: Orphanet 140162, MedGen C0027672, MeSH D009386, MONDO:0015356.

Submissions (2):

University of Washington Department of Laboratory Medicine, University of Washington
Classification: Likely benign for Hereditary cancer-predisposing syndrome. Last evaluated: 2023-03-23. Review status: criteria provided, single submitter. Criteria: Dines et al. (Genet Med. 2020). Collection method: curation. Allele origin: germline.
Comment: Missense variant in a coldspot region where missense variants are very unlikely to be pathogenic (PMID:31911673).

BRCA2 exon 11 coldspot. Reclassification based on statistical prior probability.

Labcorp Genetics (formerly Invitae), Labcorp
Classification: Uncertain significance for Hereditary breast ovarian cancer syndrome. Last evaluated: 2017-02-19. Review status: criteria provided, single submitter. Criteria: Invitae Variant Classification Sherloc (09022015). Collection method: clinical testing. Allele origin: germline.
Comment: This sequence change replaces asparagine with threonine at codon 812 of the BRCA2 protein (p.Asn812Thr). The asparagine residue is weakly conserved and there is a small physicochemical difference between asparagine and threonine. In summary, this variant is a novel missense change that is not predicted to affect protein function. There is no indication that it causes disease, but the available evidence is currently insufficient to prove that conclusively. Therefore, it has been classified as a Variant of Uncertain Significance. Algorithms developed to predict the effect of missense changes on protein structure and function (SIFT, PolyPhen-2, Align-GVGD) all suggest that this variant is likely to be tolerated, but these predictions have not been confirmed by published functional studies. This variant is not present in population databases (ExAC no frequency) and has not been reported in the literature in individuals with a BRCA2-related disease.

NM_000059.4(BRCA2):c.2435A>C (p.Asn812Thr)

Gene: BRCA2 (BRCA2 DNA repair associated; plus strand). Cytogenetic location: 13q13.1.
Variant type: single nucleotide variant.
Coding change: c.2435A>C on transcript NM_000059.4 (MANE Select); coding-DNA position 2435, A replaced by C.
Protein change: p.Asn812Thr; replaces asparagine 812 with threonine.
Molecular consequence: missense variant.
Genome position (GRCh38, 1-based): chr13:32,336,790, A>C. VCF-style: chr13-32336790-A-C. GRCh37 (hg19) VCF-style: chr13-32910927-A-C.
Other names: short protein forms N812T.
Identifiers: ClinVar variation 462265 (VCV000462265.10), dbSNP rs1555282665, ClinGen allele CA387772190.
Genomic context (GRCh38, chr13:32,336,790, plus strand): 5'-ACAAAATGTCAGACAAGCTCAAAGGTAACAATTATGAATCTGATGTTGAATTAACCAAAA[A>C]TATTCCCATGGAAAAGAATCAAGATGTATGTGCTTTAAATGAAAATTATAAAAACGTTGA-3'
Protein context (NP_000050.3, residues 802-822): NYESDVELTK[Asn812Thr]IPMEKNQDVC